The following is an entry in ClinVar:

NM_001005242.3(PKP2):c.56A>C (p.Gln19Pro)

Gene: PKP2 (plakophilin 2; minus strand). Cytogenetic location: 12p11.21.
Variant type: single nucleotide variant.
Coding change: c.56A>C on transcript NM_001005242.3 (MANE Select); coding-DNA position 56, A replaced by C.
Protein change: p.Gln19Pro; replaces glutamine 19 with proline.
Molecular consequence: missense variant.
Genome position (GRCh38, 1-based): chr12:32,896,676, T>G on the plus strand (A>C on the coding strand, the complement: PKP2 is on the minus strand). VCF-style: chr12-32896676-T-G. GRCh37 (hg19) VCF-style: chr12-33049610-T-G.
Other names: c.56A>C, p.Gln19Pro (NM_001407155.1, NM_001407156.1, NM_001407157.1 and 2 more transcripts); c.-771A>C (NM_001407158.1, NM_001407162.1); c.-535A>C (NM_001407159.1, NM_001407160.1); short protein forms Q19P.
Identifiers: ClinVar variation 1749141 (VCV001749141.7), dbSNP rs776453793, ClinGen allele CA038034.

ClinVar aggregate classification (germline): Uncertain significance. Review status: criteria provided, multiple submitters, no conflicts (2 of 4 stars). 3 submissions from 3 submitters: Uncertain significance (3). Last evaluated 2025-07-07.

Conditions:
Arrhythmogenic right ventricular dysplasia 9 (ARVD9). Also called: Arrhythmogenic Right Ventricular Dysplasia/Cardiomyopathy 9; ARRHYTHMOGENIC RIGHT VENTRICULAR DYSPLASIA, FAMILIAL, 9. Identifiers: MedGen C1836906, MONDO:0012180, OMIM 609040.
Cardiovascular phenotype. Identifiers: MedGen CN230736.
Cardiomyopathy (CMYO). Also called: Cardiomyopathies. Identifiers: Orphanet 167848, MedGen C0878544, MONDO:0004994, HP:0001638. Inheritance: Various modes of inheritance.

Allele frequency attached by ClinVar (database versions not stated): gnomAD exomes below 0.00001; ExAC 0.00008.
gnomAD v4.1: 5 of 1,552,298 alleles (0.00032%); highest among the groups gnomAD compares: South Asian, 0.0047%; no homozygotes.

Submissions (3):

Color Diagnostics, LLC DBA Color Health
Classification: Uncertain significance for Cardiomyopathy. Last evaluated: 2025-07-07. Review status: criteria provided, single submitter. Criteria: ACMG Guidelines, 2015. Collection method: clinical testing. Allele origin: germline.
Comment: This missense variant replaces glutamine with proline at codon 19 of the PKP2 protein. Computational prediction is inconclusive regarding the impact of this variant on protein structure and function. To our knowledge, functional studies have not been reported for this variant. This variant has not been reported in individuals affected with PKP2-related disorders in the literature. This variant has been identified in 3/153986 chromosomes in the general population by the Genome Aggregation Database (gnomAD). The available evidence is insufficient to determine the role of this variant in disease conclusively. Therefore, this variant is classified as a Variant of Uncertain Significance.

Labcorp Genetics (formerly Invitae), Labcorp
Classification: Uncertain significance for Arrhythmogenic right ventricular dysplasia 9. Last evaluated: 2024-10-18. Review status: criteria provided, single submitter. Criteria: Invitae Variant Classification Sherloc (09022015). Collection method: clinical testing. Allele origin: germline.
Comment: This sequence change replaces glutamine, which is neutral and polar, with proline, which is neutral and non-polar, at codon 19 of the PKP2 protein (p.Gln19Pro). This variant is present in population databases (rs776453793, gnomAD 0.01%). This variant has not been reported in the literature in individuals affected with PKP2-related conditions. ClinVar contains an entry for this variant (Variation ID: 1749141). An algorithm developed to predict the effect of missense changes on protein structure and function (PolyPhen-2) suggests that this variant is likely to be disruptive. In summary, the available evidence is currently insufficient to determine the role of this variant in disease. Therefore, it has been classified as a Variant of Uncertain Significance.

Ambry Genetics
Classification: Uncertain significance for Cardiovascular phenotype. Last evaluated: 2020-12-03. Review status: criteria provided, single submitter. Criteria: Ambry Variant Classification Scheme 2023. Collection method: clinical testing. Allele origin: germline.
Comment: The p.Q19P variant (also known as c.56A>C), located in coding exon 1 of the PKP2 gene, results from an A to C substitution at nucleotide position 56. The glutamine at codon 19 is replaced by proline, an amino acid with similar properties. This amino acid position is well conserved in available vertebrate species. In addition, the in silico prediction for this alteration is inconclusive. Since supporting evidence is limited at this time, the clinical significance of this alteration remains unclear.